The following is an entry in ClinVar:

ClinVar aggregate classification (germline): Uncertain significance (1 of 4 stars; one submission).

Conditions:
UCP3-related disorder. Also called: UCP3-related condition.

Submission:

PreventionGenetics, part of Exact Sciences
Classification: Uncertain significance for UCP3-related condition. Last evaluated: 2025-03-17. Review status: criteria provided, single submitter. Criteria: ACMG Guidelines, 2015. Collection method: clinical testing. Allele origin: germline.
Comment: The UCP3 c.676G>A variant is predicted to result in the amino acid substitution p.Gly226Arg. To our knowledge, this variant has not been reported in the literature or in a large population database (gnomAD), indicating this variant is rare. At this time, the clinical significance of this variant is uncertain due to the absence of conclusive functional and genetic evidence.

NM_003356.4(UCP3):c.676G>A (p.Gly226Arg)

Gene: UCP3 (uncoupling protein 3; minus strand). Cytogenetic location: 11q13.4.
Variant type: single nucleotide variant.
Coding change: c.676G>A on transcript NM_003356.4 (MANE Select); coding-DNA position 676, G replaced by A.
Protein change: p.Gly226Arg; replaces glycine 226 with arginine.
Molecular consequence: missense variant.
Genome position (GRCh38, 1-based): chr11:74,003,975, C>T on the plus strand (G>A on the coding strand, the complement: UCP3 is on the minus strand). VCF-style: chr11-74003975-C-T. GRCh37 (hg19) VCF-style: chr11-73715020-C-T.
Other names: c.676G>A, p.Gly226Arg (NM_022803.3); short protein forms G226R.
Identifiers: ClinVar variation 5001362 (VCV005001362.1).